The following is an entry in ClinVar:

NM_004260.4(RECQL4):c.1835A>G (p.Gln612Arg)

Gene: RECQL4 (RecQ like helicase 4; minus strand). Cytogenetic location: 8q24.3.
Variant type: single nucleotide variant.
Coding change: c.1835A>G on transcript NM_004260.4 (MANE Select); coding-DNA position 1835, A replaced by G.
Protein change: p.Gln612Arg; replaces glutamine 612 with arginine.
Molecular consequence: missense variant. On other transcripts: non-coding transcript variant (3), splice acceptor variant (3).
Genome position (GRCh38, 1-based): chr8:144,514,232, T>C on the plus strand (A>G on the coding strand, the complement: RECQL4 is on the minus strand). VCF-style: chr8-144514232-T-C. GRCh37 (hg19) VCF-style: chr8-145739616-T-C.
Other names: c.1739A>G, p.Gln580Arg (NM_001413017.1, NM_001413020.1); c.1835A>G, p.Gln612Arg (NM_001413018.1, NM_001413019.1, NM_001413036.1); c.764A>G, p.Gln255Arg (NM_001413021.1, NM_001413022.1, NM_001413023.1 and 6 more transcripts); c.1706A>G, p.Gln569Arg (NM_001413025.1); c.698A>G, p.Gln233Arg (NM_001413027.1, NM_001413030.1, NM_001413032.1 and 1 more transcripts); c.1484A>G, p.Gln495Arg (NM_001413029.1); c.1805A>G, p.Gln602Arg (NM_001413039.1); c.734A>G, p.Gln245Arg (NM_001413042.1); and 4 more; short protein forms Q245R, Q569R, Q580R, Q123R, Q233R, Q495R, Q612R, Q255R.
Identifiers: ClinVar variation 3788077 (VCV003788077.1).

ClinVar aggregate classification (germline): Uncertain significance (1 of 4 stars; one submission).

Conditions:
Inborn genetic diseases. Identifiers: MedGen C0950123, MeSH D030342.

Submission:

Ambry Genetics
Classification: Uncertain significance for Inborn genetic diseases. Last evaluated: 2025-03-05. Review status: criteria provided, single submitter. Criteria: Ambry Variant Classification Scheme 2023. Collection method: clinical testing. Allele origin: germline.
Comment: The p.Q612R variant (also known as c.1835A>G), located in coding exon 11 of the RECQL4 gene, results from an A to G substitution at nucleotide position 1835. The glutamine at codon 612 is replaced by arginine, an amino acid with highly similar properties. This amino acid position is conserved. In addition, the in silico prediction for this alteration is inconclusive. Based on the available evidence, the clinical significance of this variant remains unclear.